The following is an entry in ClinVar:

NM_005751.5(AKAP9):c.6945+8C>T

Gene: AKAP9 (A-kinase anchoring protein 9; plus strand). Cytogenetic location: 7q21.2.
Variant type: single nucleotide variant.
Coding change: c.6945+8C>T on transcript NM_005751.5 (MANE Select); 8 bases into the intron after coding-DNA position 6945, C replaced by T.
Molecular consequence: intron variant.
Genome position (GRCh38, 1-based): chr7:92,077,883, C>T. VCF-style: chr7-92077883-C-T. GRCh37 (hg19) VCF-style: chr7-91707197-C-T.
Other names: c.6921+8C>T (NM_147185.3); c.1590+8C>T (NM_001379277.1).
Identifiers: ClinVar variation 136335 (VCV000136335.29), dbSNP rs733957, ClinGen allele CA163147.
Genomic context (GRCh38, chr7:92,077,883, plus strand): 5'-ATGAACAAGTTACGAAACTCCAGCAGCAACTTAAAATTACAACAGATAACAAGGTATACT[C>T]ATTTAAAATTGATTATGAAATTAATATGAACCAGAGTTTTAAAGGGCAAAATGGTTATAA-3'

ClinVar aggregate classification (germline): Benign/Likely benign. Review status: criteria provided, multiple submitters, no conflicts (2 of 4 stars). 11 submissions from 11 submitters: Benign (7); Likely benign (1). 3 of the submissions do not count toward it. Last evaluated 2026-02-04.

Conditions:
Long QT syndrome (LQTS). Identifiers: MedGen C0023976, MeSH D008133, MONDO:0002442. Disease mechanism: loss of function. Inheritance: Various modes of inheritance.
Long QT syndrome 11 (LQT11). Identifiers: Orphanet 101016, Orphanet 768, MedGen C2678483, MONDO:0012738, OMIM 611820.

Allele frequency attached by ClinVar (database versions not stated): 1000 Genomes Project 0.36242; 1000 Genomes Project 30x 0.36508; gnomAD exomes 0.37366 and 0.38448; gnomAD 0.40426 and 0.40759; TOPMed 0.40482; ExAC 0.40765; ESP Exome Variant Server 0.42697.
gnomAD v4.1: 616,637 of 1,595,566 alleles (39%); highest among the groups gnomAD compares: African/African-American, 48%; 121,483 homozygotes.

Submissions (11):

Labcorp Genetics (formerly Invitae), Labcorp
Classification: Benign for Long QT syndrome. Last evaluated: 2026-02-04. Review status: criteria provided, single submitter. Criteria: Invitae Variant Classification Sherloc (09022015). Collection method: clinical testing. Allele origin: germline.

Blueprint Genetics
Classification: Benign. Last evaluated: 2024-11-27. Review status: criteria provided, single submitter. Criteria: ACMG Guidelines, 2015. Collection method: clinical testing. Allele origin: germline.

Genome-Nilou Lab
Classification: Benign for Long QT syndrome 11. Last evaluated: 2021-12-05. Review status: criteria provided, single submitter. Criteria: ACMG Guidelines, 2015. Collection method: clinical testing. Allele origin: germline. Affected: no.

Women's Health and Genetics/Laboratory Corporation of America, LabCorp
Classification: Benign. Last evaluated: 2019-08-12. Review status: criteria provided, single submitter. Criteria: LabCorp Variant Classification Summary - May 2015. Collection method: clinical testing. Allele origin: germline.

Eurofins Ntd Llc (ga)
Classification: Benign. Last evaluated: 2015-06-08. Review status: criteria provided, single submitter. Criteria: EGL Classification Definitions 2015. Collection method: clinical testing. Allele origin: germline. Observed: 1 variant allele, 1 heterozygote.

GeneDx
Classification: Benign. Last evaluated: 2011-07-10. Review status: criteria provided, single submitter. Criteria: GeneDx Variant Classification (06012015). Collection method: clinical testing. Allele origin: germline. Affected: yes.
Comment: This variant is considered likely benign or benign based on one or more of the following criteria: it is a conservative change, it occurs at a poorly conserved position in the protein, it is predicted to be benign by multiple in silico algorithms, and/or has population frequency not consistent with disease.

Breakthrough Genomics
Classification: Likely benign. Review status: criteria provided, single submitter. Criteria: ACMG Guidelines, 2015. Collection method: not provided. Allele origin: germline. Inheritance: Autosomal dominant inheritance. Affected: yes.

PreventionGenetics, part of Exact Sciences
Classification: Benign. Review status: criteria provided, single submitter. Criteria: ACMG Guidelines, 2015. Collection method: clinical testing. Allele origin: germline.

Clinical Genetics, Academic Medical Center
Classification: Benign. Review status: no assertion criteria provided. Collection method: clinical testing. Allele origin: germline. Affected: yes. Study: VKGL Data-share Consensus. Not counted in ClinVar's aggregate classification.

Diagnostic Laboratory, Department of Genetics, University Medical Center Groningen
Classification: Benign for Long QT syndrome 11. Review status: no assertion criteria provided. Collection method: clinical testing. Allele origin: germline. Affected: yes. Study: VKGL Data-share Consensus. Not counted in ClinVar's aggregate classification.

Joint Genome Diagnostic Labs from Nijmegen and Maastricht, Radboudumc and MUMC+
Classification: Benign. Review status: no assertion criteria provided. Collection method: clinical testing. Allele origin: germline. Affected: yes. Study: VKGL Data-share Consensus. Not counted in ClinVar's aggregate classification.